The following is an entry in ClinVar:

NM_001386298.1(CIC):c.2494G>A (p.Gly832Ser)

Gene: CIC (capicua transcriptional repressor; plus strand). Cytogenetic location: 19q13.2.
Variant type: single nucleotide variant.
Coding change: c.2494G>A on transcript NM_001386298.1 (MANE Select); coding-DNA position 2494, G replaced by A.
Protein change: p.Gly832Ser; replaces glycine 832 with serine.
Molecular consequence: missense variant.
Genome position (GRCh38, 1-based): chr19:42,274,277, G>A. VCF-style: chr19-42274277-G-A. GRCh37 (hg19) VCF-style: chr19-42778429-G-A.
Other names: c.2494G>A, p.Gly832Ser (NM_001304815.2, NM_001379480.1, NM_001379482.1); short protein forms G832S.
Identifiers: ClinVar variation 1341904 (VCV001341904.2), dbSNP rs1290889234, ClinGen allele CA406089760.
Genomic context (GRCh38, chr19:42,274,277, plus strand): 5'-ATTGTCCGCAACCCTGATGTGCCACTGCCCTCCAAATTCCCTGGGGAGGTGGGCACTGCT[G>A]GTGAGGTGCGGGCTGGGGGACCTGGGCGGGGCTGCCGTGAAACCCCAGTGCCCCCTGGGG-3'
Protein context (NP_001373227.1, residues 822-842): SKFPGEVGTA[Gly832Ser]EVRAGGPGRG

ClinVar aggregate classification (germline): Conflicting classifications of pathogenicity. Review status: criteria provided, conflicting classifications (1 of 4 stars). 2 submissions from 2 submitters: Uncertain significance (1); Likely benign (1). Last evaluated 2026-06-02.

Conditions:
CIC-related disorder. Also called: CIC-related condition.
Intellectual developmental disorder, autosomal dominant 45. Also called: MENTAL RETARDATION, AUTOSOMAL DOMINANT 45; Intellectual disability, autosomal dominant 45. Identifiers: MedGen C4539848, MONDO:0030910, OMIM 617600.

Allele frequency attached by ClinVar (database versions not stated): gnomAD 0.00003 and 0.00004; TOPMed 0.00005; gnomAD exomes 0.00001.
gnomAD v4.1: 7 of 398,714 alleles (0.0018%); highest among the groups gnomAD compares: Admixed American, 0.022%; no homozygotes.

Submissions (2):

PreventionGenetics, part of Exact Sciences
Classification: Likely benign for CIC-related condition. Last evaluated: 2026-06-02. Review status: criteria provided, single submitter. Criteria: ACMG Guidelines, 2015. Collection method: clinical testing. Allele origin: germline.
Comment: This variant is classified as likely benign based on ACMG/AMP sequence variant interpretation guidelines (Richards et al. 2015 PMID: 25741868, with internal and published modifications).

New York Genome Center
Classification: Uncertain significance for Intellectual developmental disorder, autosomal dominant 45. Last evaluated: 2021-02-12. Review status: criteria provided, single submitter. Criteria: NYGC Assertion Criteria 2020. Collection method: clinical testing. Allele origin: germline. Observed: 1 heterozygote. Study: CSER-NYCKidSeq.
Comment: The c.2494G>A, p.Gly832Ser missense variant identified in CIC has not been reported in the literature. This variant has five heterozygotes in the gnomAD v3.1 database, indicating this is a rare allele. In silico analysis predicts conflicting interpretation of pathogenicity [PMID:27268795]. Based on the available evidence, the missense variant c.2494G>A, p.Gly832Ser in the CIC gene is classified as a Variant of Uncertain Significance.